The following is an entry in ClinVar:

NM_001458.5(FLNC):c.2845G>C (p.Asp949His)

Gene: FLNC (filamin C; plus strand). Cytogenetic location: 7q32.1.
Variant type: single nucleotide variant.
Coding change: c.2845G>C on transcript NM_001458.5 (MANE Select); coding-DNA position 2845, G replaced by C.
Protein change: p.Asp949His; replaces aspartic acid 949 with histidine.
Molecular consequence: missense variant.
Genome position (GRCh38, 1-based): chr7:128,843,829, G>C. VCF-style: chr7-128843829-G-C. GRCh37 (hg19) VCF-style: chr7-128483883-G-C.
Other names: c.2845G>C, p.Asp949His (NM_001127487.2); short protein forms D949H.
Identifiers: ClinVar variation 569524 (VCV000569524.13), dbSNP rs761905908, ClinGen allele CA369193410.

ClinVar aggregate classification (germline): Uncertain significance. Review status: criteria provided, multiple submitters, no conflicts (2 of 4 stars). 3 submissions from 3 submitters: Uncertain significance (3). Last evaluated 2026-02-05.

Conditions:
Distal myopathy with posterior leg and anterior hand involvement. Also called: WILLIAMS DISTAL MYOPATHY. Identifiers: Orphanet 63273, MedGen C3279722, MONDO:0013550, OMIM 614065.
Myofibrillar myopathy 5. Also called: Filaminopathy (type); FILAMINOPATHY, AUTOSOMAL DOMINANT. Identifiers: Orphanet 171445, MedGen C1836050, MONDO:0012289, OMIM 609524.
Hypertrophic cardiomyopathy 26. Also called: Cardiomyopathy, familial hypertrophic, 26. Identifiers: Orphanet 75249, MedGen C4310749, MONDO:0014883, OMIM 617047.
Cardiovascular phenotype. Identifiers: MedGen CN230736.

Allele frequency attached by ClinVar (database versions not stated): gnomAD 0.00003.
gnomAD v4.1: 6 of 1,613,812 alleles (0.00037%); highest among the groups gnomAD compares: East Asian, 0.0067%; no homozygotes.

Submissions (3):

GeneDx
Classification: Uncertain significance. Last evaluated: 2026-02-05. Review status: criteria provided, single submitter. Criteria: GeneDx Variant Classification Process June 2021. Collection method: clinical testing. Allele origin: germline.
Comment: In silico analysis supports that this missense variant has a deleterious effect on protein structure/function; Has not been previously published as pathogenic or benign to our knowledge

Labcorp Genetics (formerly Invitae), Labcorp
Classification: Uncertain significance for Distal myopathy with posterior leg and anterior hand involvement; Myofibrillar myopathy 5; Hypertrophic cardiomyopathy 26. Last evaluated: 2025-10-27. Review status: criteria provided, single submitter. Criteria: Invitae Variant Classification Sherloc (09022015). Collection method: clinical testing. Allele origin: germline.
Comment: This sequence change replaces aspartic acid, which is acidic and polar, with histidine, which is basic and polar, at codon 949 of the FLNC protein (p.Asp949His). This variant is present in population databases (no rsID available, gnomAD 0.06%). This variant has not been reported in the literature in individuals affected with FLNC-related conditions. ClinVar contains an entry for this variant (Variation ID: 569524). Invitae Evidence Modeling of protein sequence and biophysical properties (such as structural, functional, and spatial information, amino acid conservation, physicochemical variation, residue mobility, and thermodynamic stability) has been performed for this missense variant. However, the output from this modeling did not meet the statistical confidence thresholds required to predict the impact of this variant on FLNC protein function. In summary, the available evidence is currently insufficient to determine the role of this variant in disease. Therefore, it has been classified as a Variant of Uncertain Significance.

Ambry Genetics
Classification: Uncertain significance for Cardiovascular phenotype. Last evaluated: 2023-03-11. Review status: criteria provided, single submitter. Criteria: Ambry Variant Classification Scheme 2023. Collection method: clinical testing. Allele origin: germline.
Comment: The p.D949H variant (also known as c.2845G>C), located in coding exon 19 of the FLNC gene, results from a G to C substitution at nucleotide position 2845. The aspartic acid at codon 949 is replaced by histidine, an amino acid with similar properties. This amino acid position is conserved. In addition, this alteration is predicted to be deleterious by in silico analysis. Since supporting evidence is limited at this time, the clinical significance of this alteration remains unclear.